The following is an entry in ClinVar:

ClinVar aggregate classification (germline): Likely benign. Review status: criteria provided, multiple submitters, no conflicts (2 of 4 stars). 3 submissions from 3 submitters: Likely benign (3). Last evaluated 2026-04-01.

Conditions:
Intellectual developmental disorder, autosomal dominant 1. Also called: Intellectual disability, autosomal dominant 1; MBD5 Haploinsufficiency. Identifiers: Orphanet 228402, MedGen C1969562, MONDO:0007974, OMIM 156200.

Allele frequency attached by ClinVar (database versions not stated): gnomAD exomes 0.00004 and 0.00008; gnomAD 0.00005 and 0.00004; TOPMed 0.00004; ExAC 0.00012.
gnomAD v4.1: 68 of 1,613,748 alleles (0.0042%); highest among the groups gnomAD compares: Non-Finnish European, 0.0051%; no homozygotes.

Submissions (3):

CeGaT Center for Human Genetics Tuebingen
Classification: Likely benign. Last evaluated: 2026-04-01. Review status: criteria provided, single submitter. Criteria: CeGaT Center For Human Genetics Tuebingen Variant Classification Criteria Version 2. Collection method: clinical testing. Allele origin: germline. Affected: yes. Observed: 3 variant alleles.
Comment: MBD5: BP4, BP7

Labcorp Genetics (formerly Invitae), Labcorp
Classification: Likely benign for Intellectual developmental disorder, autosomal dominant 1. Last evaluated: 2025-10-13. Review status: criteria provided, single submitter. Criteria: Invitae Variant Classification Sherloc (09022015). Collection method: clinical testing. Allele origin: germline.

GeneDx
Classification: Likely benign. Last evaluated: 2019-01-25. Review status: criteria provided, single submitter. Criteria: GeneDx Variant Classification Process June 2021. Collection method: clinical testing. Allele origin: germline. Affected: yes.

NM_001378120.1(MBD5):c.2148T>C (p.Ser716=)

Gene: MBD5 (methyl-CpG binding domain protein 5; plus strand). Cytogenetic location: 2q23.1.
Variant type: single nucleotide variant.
Coding change: c.2148T>C on transcript NM_001378120.1 (MANE Select); coding-DNA position 2148, T replaced by C.
Protein change: p.Ser716=; no amino-acid change (serine 716 retained).
Molecular consequence: synonymous variant.
Genome position (GRCh38, 1-based): chr2:148,470,091, T>C. VCF-style: chr2-148470091-T-C. GRCh37 (hg19) VCF-style: chr2-149227660-T-C.
Other names: c.2148T>C, p.Ser716= (NM_018328.5).
Identifiers: ClinVar variation 695541 (VCV000695541.44), dbSNP rs746698199, ClinGen allele CA1900101.